The following is an entry in ClinVar:

NM_020433.5(JPH2):c.1321G>A (p.Glu441Lys)

Gene: JPH2 (junctophilin 2; minus strand). Cytogenetic location: 20q13.12.
Variant type: single nucleotide variant.
Coding change: c.1321G>A on transcript NM_020433.5 (MANE Select); coding-DNA position 1321, G replaced by A.
Protein change: p.Glu441Lys; replaces glutamic acid 441 with lysine.
Molecular consequence: missense variant.
Genome position (GRCh38, 1-based): chr20:44,116,354, C>T on the plus strand (G>A on the coding strand, the complement: JPH2 is on the minus strand). VCF-style: chr20-44116354-C-T. GRCh37 (hg19) VCF-style: chr20-42744994-C-T.
Other names: short protein forms E441K.
Identifiers: ClinVar variation 1769922 (VCV001769922.2), dbSNP rs1312945217, ClinGen allele CA409100918.

ClinVar aggregate classification (germline): Uncertain significance (1 of 4 stars; one submission).

Conditions:
Cardiovascular phenotype. Identifiers: MedGen CN230736.

Allele frequency attached by ClinVar (database versions not stated): gnomAD exomes below 0.00001; TOPMed below 0.00001; gnomAD 0.00001.
gnomAD v4.1: 2 of 1,547,622 alleles (0.00013%); highest among the groups gnomAD compares: Non-Finnish European, 0.00017%; no homozygotes.

Submission:

Ambry Genetics
Classification: Uncertain significance for Cardiovascular phenotype. Last evaluated: 2022-07-19. Review status: criteria provided, single submitter. Criteria: Ambry Variant Classification Scheme 2023. Collection method: clinical testing. Allele origin: germline.
Comment: The p.E441K variant (also known as c.1321G>A), located in coding exon 4 of the JPH2 gene, results from a G to A substitution at nucleotide position 1321. The glutamic acid at codon 441 is replaced by lysine, an amino acid with similar properties. This amino acid position is conserved. In addition, this alteration is predicted to be tolerated by in silico analysis. Since supporting evidence is limited at this time, the clinical significance of this alteration remains unclear.